The following is an entry in ClinVar:

ClinVar aggregate classification (germline): Conflicting classifications of pathogenicity. Review status: criteria provided, conflicting classifications (1 of 4 stars). 3 submissions from 3 submitters: Pathogenic (1); Uncertain significance (2). Last evaluated 2024-10-25.

Conditions:
Catecholaminergic polymorphic ventricular tachycardia 2. Also called: CASQ2-Related Catecholaminergic Polymorphic Ventricular Tachycardia; VENTRICULAR TACHYCARDIA, STRESS-INDUCED POLYMORPHIC 2. Identifiers: Orphanet 3286, MedGen C2677794, MONDO:0012762, OMIM 611938.
Catecholaminergic polymorphic ventricular tachycardia 1. Also called: RYR2-Related Catecholaminergic Polymorphic Ventricular Tachycardia; VENTRICULAR TACHYCARDIA, STRESS-INDUCED POLYMORPHIC 1; VENTRICULAR TACHYCARDIA, CATECHOLAMINERGIC POLYMORPHIC, 1, WITH OR WITHOUT ATRIAL DYSFUNCTION AND/OR DILATED CARDIOMYOPATHY. Identifiers: Orphanet 3286, MedGen C1631597, MONDO:0011484, OMIM 604772.

gnomAD v4.1: 3 of 1,614,032 alleles (0.00019%); highest among the groups gnomAD compares: Non-Finnish European, 0.00025%; no homozygotes.

Submissions (3):

Labcorp Genetics (formerly Invitae), Labcorp
Classification: Pathogenic for Catecholaminergic polymorphic ventricular tachycardia 1. Last evaluated: 2024-10-25. Review status: criteria provided, single submitter. Criteria: Invitae Variant Classification Sherloc (09022015). Collection method: clinical testing. Allele origin: germline.
Comment: This sequence change replaces arginine, which is basic and polar, with proline, which is neutral and non-polar, at codon 293 of the CASQ2 protein (p.Arg293Pro). This variant is not present in population databases (gnomAD no frequency). This missense change has been observed in individuals with clinical features of autosomal recessive CASQ2-related conditions (PMID: 32693635; internal data). ClinVar contains an entry for this variant (Variation ID: 190746). Invitae Evidence Modeling of protein sequence and biophysical properties (such as structural, functional, and spatial information, amino acid conservation, physicochemical variation, residue mobility, and thermodynamic stability) indicates that this missense variant is expected to disrupt CASQ2 protein function with a positive predictive value of 80%. For these reasons, this variant has been classified as Pathogenic.

Genome-Nilou Lab
Classification: Uncertain significance for Catecholaminergic polymorphic ventricular tachycardia 2. Last evaluated: 2023-04-11. Review status: criteria provided, single submitter. Criteria: ACMG Guidelines, 2015. Collection method: clinical testing. Allele origin: germline. Affected: no.

GeneDx
Classification: Uncertain significance. Last evaluated: 2014-10-21. Review status: criteria provided, single submitter. Criteria: GeneDx Variant Classification (06012015). Collection method: clinical testing. Allele origin: germline. Affected: yes.
Comment: p.Arg293Pro (CGG>CCG): c.878 G>C in exon 9 of the CASQ2 gene (NM_001232.3). A variant of unknown significance has been identified in the CASQ2 gene. The R293P variant has not been published as a mutation, nor has it been reported as a benign polymorphism to our knowledge. The R293P variant was not observed in approximately 6,500 individuals of European and African American ancestry in the NHLBI Exome Sequencing Project, indicating it is not a common benign variant in these populations. The R293P variant is a non-conservative amino acid substitution, which is likely to impact secondary protein structure as these residues differ in polarity, charge, size and/or other properties. This substitution occurs at a position that is completely conserved in mammals. In silico analysis predicts this variant is probably damaging to the protein structure/function. Nevertheless, no missense mutations in nearby residues have been reported in association with CPVT, suggesting this region of the protein may be tolerant of change. Therefore, based on the currently available information, it is unclear whether this variant is a pathogenic mutation or a rare benign variant. The variant is found in CPVT panel(s).

Literature cited by the submitters: PubMed 32693635 (cited by Labcorp Genetics (formerly Invitae), Labcorp).

NM_001232.4(CASQ2):c.878G>C (p.Arg293Pro)

Gene: CASQ2 (calsequestrin 2; minus strand). Cytogenetic location: 1p13.1.
Variant type: single nucleotide variant.
Coding change: c.878G>C on transcript NM_001232.4 (MANE Select); coding-DNA position 878, G replaced by C.
Protein change: p.Arg293Pro; replaces arginine 293 with proline.
Molecular consequence: missense variant.
Genome position (GRCh38, 1-based): chr1:115,705,253, C>G on the plus strand (G>C on the coding strand, the complement: CASQ2 is on the minus strand). VCF-style: chr1-115705253-C-G. GRCh37 (hg19) VCF-style: chr1-116247874-C-G.
Other names: p.R293P:CGG>CCG; short protein forms R293P.
Identifiers: ClinVar variation 190746 (VCV000190746.9), dbSNP rs377691566, ClinGen allele CA301907.
Genomic context (GRCh38, chr1:115,705,253, plus strand): 5'-AGAGGAAAGTCGTCCGGGTCGATCCACAGGATGCTCAGATCGGGGTTGTCAGTATTGTCC[C>G]GGGCAACCTGTTTCAGGATCTCCAGGAATTCGTAGCCATCTGAAACAGGATTCAAGAGAG-3'
Protein context (NP_001223.2, residues 283-303): EFLEILKQVA[Arg293Pro]DNTDNPDLSI